The following is an entry in ClinVar:

NM_000288.4(PEX7):c.526+14T>C

Gene: PEX7 (peroxisomal biogenesis factor 7; plus strand). Cytogenetic location: 6q23.3.
Variant type: single nucleotide variant.
Coding change: c.526+14T>C on transcript NM_000288.4 (MANE Select); 14 bases into the intron after coding-DNA position 526, T replaced by C.
Molecular consequence: intron variant.
Genome position (GRCh38, 1-based): chr6:136,846,195, T>C. VCF-style: chr6-136846195-T-C. GRCh37 (hg19) VCF-style: chr6-137167333-T-C.
Identifiers: ClinVar variation 511484 (VCV000511484.11), dbSNP rs73777756, ClinGen allele CA4017638.

ClinVar aggregate classification (germline): Benign/Likely benign. Review status: criteria provided, multiple submitters, no conflicts (2 of 4 stars). 3 submissions from 3 submitters: Benign (1); Likely benign (2). Last evaluated 2026-02-02.

Conditions:
Peroxisome biogenesis disorder 9B. Also called: PEROXISOME BIOGENESIS DISORDER, PEX7-RELATED, ATYPICAL; PEX7-Related Refsum Disease; Refsum disease, adult, 2. Identifiers: Orphanet 773, MedGen C2749346, MONDO:0013945, OMIM 614879.

Allele frequency attached by ClinVar (database versions not stated): gnomAD exomes 0.00024 and 0.00069; ExAC 0.00094; gnomAD 0.00261 and 0.00279; ESP Exome Variant Server 0.00331; TOPMed 0.00350; 1000 Genomes Project 0.00439; 1000 Genomes Project 30x 0.00468.
gnomAD v4.1: 763 of 1,526,740 alleles (0.05%); highest among the groups gnomAD compares: African/African-American, 0.83%; 4 homozygotes.

Submissions (3):

Labcorp Genetics (formerly Invitae), Labcorp
Classification: Benign for Peroxisome biogenesis disorder 9B. Last evaluated: 2026-02-02. Review status: criteria provided, single submitter. Criteria: Invitae Variant Classification Sherloc (09022015). Collection method: clinical testing. Allele origin: germline.

Blueprint Genetics
Classification: Likely benign. Last evaluated: 2024-11-25. Review status: criteria provided, single submitter. Criteria: ACMG Guidelines, 2015. Collection method: clinical testing. Allele origin: germline.

GeneDx
Classification: Likely benign. Last evaluated: 2017-08-14. Review status: criteria provided, single submitter. Criteria: GeneDx Variant Classification (06012015). Collection method: clinical testing. Allele origin: germline. Affected: yes.
Comment: This variant is considered likely benign or benign based on one or more of the following criteria: it is a conservative change, it occurs at a poorly conserved position in the protein, it is predicted to be benign by multiple in silico algorithms, and/or has population frequency not consistent with disease.